The following is an entry in ClinVar:

ClinVar aggregate classification (germline): Uncertain significance. Review status: criteria provided, multiple submitters, no conflicts (2 of 4 stars). 2 submissions from 2 submitters: Uncertain significance (2). Last evaluated 2025-05-20.

Conditions:
Inborn genetic diseases. Identifiers: MedGen C0950123, MeSH D030342.

Submissions (2):

Women's Health and Genetics/Laboratory Corporation of America, LabCorp
Classification: Uncertain significance. Last evaluated: 2025-05-20. Review status: criteria provided, single submitter. Criteria: LabCorp Variant Classification Summary - May 2015. Collection method: clinical testing. Allele origin: germline.
Comment: Variant summary: IDS c.191T>C (p.Ile64Thr) results in a non-conservative amino acid change in the encoded protein sequence. Algorithms developed to predict the effect of missense changes on protein structure and function all suggest that this variant is likely to be disruptive. The variant allele was found at a frequency of 5.6e-06 in 178358 control chromosomes. The available data on variant occurrences in the general population are insufficient to allow any conclusion about variant significance. To our knowledge, no occurrence of c.191T>C in individuals affected with Mucopolysaccharidosis Type II (Hunter Syndrome) and no experimental evidence demonstrating its impact on protein function have been reported. ClinVar contains an entry for this variant (Variation ID: 3527560). Based on the evidence outlined above, the variant was classified as uncertain significance.

Ambry Genetics
Classification: Uncertain significance for Inborn genetic diseases. Last evaluated: 2024-06-28. Review status: criteria provided, single submitter. Criteria: Ambry Variant Classification Scheme 2023. Collection method: clinical testing. Allele origin: germline.

NM_000202.8(IDS):c.191T>C (p.Ile64Thr)

Gene: IDS (iduronate 2-sulfatase; minus strand). Cytogenetic location: Xq28.
Variant type: single nucleotide variant.
Coding change: c.191T>C on transcript NM_000202.8 (MANE Select); coding-DNA position 191, T replaced by C.
Protein change: p.Ile64Thr; replaces isoleucine 64 with threonine.
Molecular consequence: missense variant. On other transcripts: 5 prime UTR variant (1), non-coding transcript variant (1).
Genome position (GRCh38, 1-based): chrX:149,504,206, A>G on the plus strand (T>C on the coding strand, the complement: IDS is on the minus strand). VCF-style: chrX-149504206-A-G. GRCh37 (hg19) VCF-style: chrX-148585736-A-G.
Other names: c.-36T>C (NM_001166550.4); c.191T>C, p.Ile64Thr (NM_006123.5); short protein forms I64T.
Identifiers: ClinVar variation 3527560 (VCV003527560.2).